The following is an entry in ClinVar:

NM_019892.6(INPP5E):c.1299G>A (p.Ala433=)

Gene: INPP5E (inositol polyphosphate-5-phosphatase E; minus strand). Cytogenetic location: 9q34.3.
Variant type: single nucleotide variant.
Coding change: c.1299G>A on transcript NM_019892.6 (MANE Select); coding-DNA position 1299, G replaced by A.
Protein change: p.Ala433=; no amino-acid change (alanine 433 retained).
Molecular consequence: synonymous variant.
Genome position (GRCh38, 1-based): chr9:136,432,567, C>T on the plus strand (G>A on the coding strand, the complement: INPP5E is on the minus strand). VCF-style: chr9-136432567-C-T. GRCh37 (hg19) VCF-style: chr9-139327019-C-T.
Other names: c.1296G>A, p.Ala432= (NM_001318502.2); c.1299G>A (NM_019892.5).
Identifiers: ClinVar variation 261193 (VCV000261193.46), dbSNP rs56931633, ClinGen allele CA5336847.
Genomic context (GRCh38, chr9:136,432,567, plus strand): 5'-GGGCACATTTCTGGGCAGGACCAGGGCTTGTACAGTCCTGGTGTAGTCCAGCAGCCGCTC[C>T]GCCACCTTCCCGTCACCTGCTGTGGGAACAGAAATGGGGTAGGGACCACAGGGTTCCGGA-3'
Protein context (NP_063945.2, residues 423-443): SHFTSGDGKV[Ala433=]ERLLDYTRTV

ClinVar aggregate classification (germline): Benign/Likely benign. Review status: criteria provided, multiple submitters, no conflicts (2 of 4 stars). 7 submissions from 7 submitters: Benign (2); Likely benign (4). 1 of the submissions does not count toward it. Last evaluated 2026-09-01.

Conditions:
INPP5E-related disorder. Also called: INPP5E-related condition.
Joubert syndrome. Also called: Familial aplasia of the vermis; JOUBERT-BOLTSHAUSER SYNDROME. Identifiers: Orphanet 475, MedGen C5979921, MONDO:0018772.

Allele frequency attached by ClinVar (database versions not stated): gnomAD exomes 0.00024 and 0.00045; ExAC 0.00112; 1000 Genomes Project 0.00160; ESP Exome Variant Server 0.00179; 1000 Genomes Project 30x 0.00187; gnomAD 0.00249 and 0.00272; TOPMed 0.00255.

Submissions (7):

CeGaT Center for Human Genetics Tuebingen
Classification: Likely benign. Last evaluated: 2026-09-01. Review status: criteria provided, single submitter. Criteria: CeGaT Center For Human Genetics Tuebingen Variant Classification Criteria Version 2. Collection method: clinical testing. Allele origin: germline. Affected: yes. Observed: 2 variant alleles.
Comment: INPP5E: BP4, BP7

Labcorp Genetics (formerly Invitae), Labcorp
Classification: Benign for Joubert syndrome. Last evaluated: 2026-01-29. Review status: criteria provided, single submitter. Criteria: Invitae Variant Classification Sherloc (09022015). Collection method: clinical testing. Allele origin: germline.

Blueprint Genetics
Classification: Likely benign. Last evaluated: 2024-10-25. Review status: criteria provided, single submitter. Criteria: ACMG Guidelines, 2015. Collection method: clinical testing. Allele origin: germline.

Genetic Services Laboratory, University of Chicago
Classification: Likely benign. Last evaluated: 2021-06-28. Review status: criteria provided, single submitter. Criteria: ACMG Guidelines, 2015. Collection method: clinical testing. Allele origin: germline. Affected: no.

GeneDx
Classification: Benign. Last evaluated: 2015-03-03. Review status: criteria provided, single submitter. Criteria: GeneDx Variant Classification Process June 2021. Collection method: clinical testing. Allele origin: germline. Affected: yes.

Breakthrough Genomics
Classification: Likely benign. Review status: criteria provided, single submitter. Criteria: ACMG Guidelines, 2015. Collection method: not provided. Allele origin: germline. Inheritance: Autosomal recessive inheritance. Affected: yes.

PreventionGenetics, part of Exact Sciences
Classification: Benign for INPP5E-related condition. Last evaluated: 2022-03-16. Review status: no assertion criteria provided. Collection method: clinical testing. Allele origin: germline. Not counted in ClinVar's aggregate classification.
Comment: This variant is classified as benign based on ACMG/AMP sequence variant interpretation guidelines (Richards et al. 2015 PMID: 25741868, with internal and published modifications).